The following is an entry in ClinVar:

NM_013432.5(TONSL):c.2638C>T (p.Arg880Cys)

Genes: TONSL (tonsoku like, DNA repair protein; minus strand), TONSL-AS1 (TONSL antisense RNA 1; plus strand). Cytogenetic location: 8q24.3.
Variant type: single nucleotide variant.
Coding change: c.2638C>T on transcript NM_013432.5 (MANE Select); coding-DNA position 2638, C replaced by T.
Protein change: p.Arg880Cys; replaces arginine 880 with cysteine.
Molecular consequence: missense variant.
Genome position (GRCh38, 1-based): chr8:144,435,795, G>A on the plus strand (C>T on the coding strand, the complement: TONSL is on the minus strand). VCF-style: chr8-144435795-G-A. GRCh37 (hg19) VCF-style: chr8-145661178-G-A.
Other names: short protein forms R880C.
Identifiers: ClinVar variation 1522440 (VCV001522440.5), dbSNP rs764824014, ClinGen allele CA4942765.

ClinVar aggregate classification (germline): Uncertain significance (1 of 4 stars; one submission).

Allele frequency attached by ClinVar (database versions not stated): ExAC 0.00001; gnomAD 0.00001; gnomAD exomes 0.00001; TOPMed 0.00001.
gnomAD v4.1: 9 of 1,612,692 alleles (0.00056%); highest among the groups gnomAD compares: East Asian, 0.0022%; no homozygotes.

Submission:

Labcorp Genetics (formerly Invitae), Labcorp
Classification: Uncertain significance. Last evaluated: 2021-08-14. Review status: criteria provided, single submitter. Criteria: Invitae Variant Classification Sherloc (09022015). Collection method: clinical testing. Allele origin: germline.
Comment: This sequence change replaces arginine with cysteine at codon 880 of the TONSL protein (p.Arg880Cys). The arginine residue is moderately conserved and there is a large physicochemical difference between arginine and cysteine. This variant is present in population databases (rs764824014, ExAC 0.006%). This variant has not been reported in the literature in individuals affected with TONSL-related conditions. Algorithms developed to predict the effect of missense changes on protein structure and function are either unavailable or do not agree on the potential impact of this missense change (SIFT: "Tolerated"; PolyPhen-2: "Possibly Damaging"; Align-GVGD: "Class C25"). In summary, the available evidence is currently insufficient to determine the role of this variant in disease. Therefore, it has been classified as a Variant of Uncertain Significance.